The following is an entry in ClinVar:

ClinVar aggregate classification (germline): Uncertain significance. Review status: criteria provided, multiple submitters, no conflicts (2 of 4 stars). 2 submissions from 2 submitters: Uncertain significance (2). Last evaluated 2025-12-15.

Conditions:
Hereditary cancer-predisposing syndrome. Also called: Neoplastic Syndromes, Hereditary; Tumor predisposition; Hereditary neoplastic syndrome; Hereditary Cancer Syndrome. Identifiers: Orphanet 140162, MedGen C0027672, MeSH D009386, MONDO:0015356.
POLD1-related polyposis and colorectal cancer syndrome (CRCS10). Also called: COLORECTAL CANCER, SUSCEPTIBILITY TO, ON CHROMOSOME 19q; Colorectal cancer 10; Colorectal cancer, susceptibility to, 10. Identifiers: Orphanet 220460, MedGen C2675481, MONDO:0012953, OMIM 612591.

gnomAD v4.1: 1 of 1,613,750 alleles (0.000062%); highest among the groups gnomAD compares: Non-Finnish European, 0.000085%; no homozygotes.

Submissions (2):

Ambry Genetics
Classification: Uncertain significance for Hereditary cancer-predisposing syndrome. Last evaluated: 2025-12-15. Review status: criteria provided, single submitter. Criteria: Ambry Variant Classification Scheme 2023. Collection method: clinical testing. Allele origin: germline.
Comment: The p.S121C variant (also known as c.362C>G), located in coding exon 3 of the POLD1 gene, results from a C to G substitution at nucleotide position 362. The serine at codon 121 is replaced by cysteine, an amino acid with dissimilar properties. This amino acid position is conserved. In addition, this alteration is predicted to be tolerated by in silico analysis. Based on the available evidence, the clinical significance of this variant remains unclear.

Labcorp Genetics (formerly Invitae), Labcorp
Classification: Uncertain significance for POLD1-related polyposis and colorectal cancer syndrome. Last evaluated: 2022-09-13. Review status: criteria provided, single submitter. Criteria: Invitae Variant Classification Sherloc (09022015). Collection method: clinical testing. Allele origin: germline.
Comment: This sequence change replaces serine, which is neutral and polar, with cysteine, which is neutral and slightly polar, at codon 121 of the POLD1 protein (p.Ser121Cys). This variant is not present in population databases (gnomAD no frequency). This variant has not been reported in the literature in individuals affected with POLD1-related conditions. Advanced modeling of protein sequence and biophysical properties (such as structural, functional, and spatial information, amino acid conservation, physicochemical variation, residue mobility, and thermodynamic stability) performed at Invitae indicates that this missense variant is not expected to disrupt POLD1 protein function. In summary, the available evidence is currently insufficient to determine the role of this variant in disease. Therefore, it has been classified as a Variant of Uncertain Significance.

NM_002691.4(POLD1):c.362C>G (p.Ser121Cys)

Gene: POLD1 (DNA polymerase delta 1, catalytic subunit; plus strand). Cytogenetic location: 19q13.33.
Variant type: single nucleotide variant.
Coding change: c.362C>G on transcript NM_002691.4 (MANE Select); coding-DNA position 362, C replaced by G.
Protein change: p.Ser121Cys; replaces serine 121 with cysteine.
Molecular consequence: missense variant. On other transcripts: non-coding transcript variant (1).
Genome position (GRCh38, 1-based): chr19:50,401,823, C>G. VCF-style: chr19-50401823-C-G. GRCh37 (hg19) VCF-style: chr19-50905080-C-G.
Other names: c.362C>G, p.Ser121Cys (NM_001256849.1, NM_001308632.1); c.362C>G (NM_002691.2); short protein forms S121C.
Identifiers: ClinVar variation 1719333 (VCV001719333.6), dbSNP rs2513955465, ClinGen allele CA406972259.